The following is an entry in ClinVar:

ClinVar aggregate classification (germline): Likely pathogenic (1 of 4 stars; one submission).

Conditions:
Neurodevelopmental disorder. Identifiers: MedGen C1535926, MeSH D065886, MONDO:0700092.

Submission:

Victorian Clinical Genetics Services, Murdoch Childrens Research Institute
Classification: Likely pathogenic for Neurodevelopmental disorder. Last evaluated: 2025-06-16. Review status: criteria provided, single submitter. Criteria: ACMG Guidelines, 2015. Collection method: clinical testing. Allele origin: germline. Affected: yes.
Comment: This variant is classified as Likely pathogenic. Evidence in support of pathogenic classification: Variant is absent from gnomAD (v2, v3 and v4); Additional information: Variant is predicted to result in a missense amino acid change from asparagine to serine; This variant is heterozygous; This gene is associated with autosomal dominant disease; This variant has no previous evidence of pathogenicity; No published segregation evidence has been identified for this variant; No published functional evidence has been identified for this variant; No comparable missense variants have previous evidence for pathogenicity; Variant is not located in an established domain, motif, hotspot or informative constraint region; Missense variant with inconclusive in silico prediction and uninformative conservation; Loss of function is a known mechanism of disease in this gene and is associated with neurodevelopmental disorder (MONDO:0700092), DDX17-related (PMID: 39405200).

Literature cited by the submitters: PubMed 39405200.

NM_006386.5(DDX17):c.1133A>G (p.Asn378Ser)

Gene: DDX17 (DEAD-box helicase 17; minus strand). Cytogenetic location: 22q13.1.
Variant type: single nucleotide variant.
Coding change: c.1133A>G on transcript NM_006386.5 (MANE Select); coding-DNA position 1133, A replaced by G.
Protein change: p.Asn378Ser; replaces asparagine 378 with serine.
Molecular consequence: missense variant.
Genome position (GRCh38, 1-based): chr22:38,494,711, T>C on the plus strand (A>G on the coding strand, the complement: DDX17 is on the minus strand). VCF-style: chr22-38494711-T-C. GRCh37 (hg19) VCF-style: chr22-38890716-T-C.
Other names: c.1133A>G, p.Asn378Ser (NM_001098504.2); short protein forms N378S.
Identifiers: ClinVar variation 4531849 (VCV004531849.1).
Genomic context (GRCh38, chr22:38,494,711, plus strand): 5'-ATGCAGACATCCACTATCTGGAGGATGTTGTGGTTGGCACTCAACTCCAGATTGCCTACG[T>C]TGATCTGGGTGTAATCACGAAGGAAATCCTCTGCAAGCTGTCTTACTTCTTTTGGCCAGG-3'
Protein context (NP_006377.2, residues 368-388): EDFLRDYTQI[Asn378Ser]VGNLELSANH